The following is an entry in ClinVar:

NM_007294.4(BRCA1):c.3540C>A (p.Ser1180Arg)

Genes: BRCA1 (BRCA1 DNA repair associated; minus strand), LOC126862571 (BRD4-independent group 4 enhancer GRCh37_chr17:41243136-41244335; plus strand). Cytogenetic location: 17q21.31.
Variant type: single nucleotide variant.
Coding change: c.3540C>A on transcript NM_007294.4 (MANE Select); coding-DNA position 3540, C replaced by A.
Protein change: p.Ser1180Arg; replaces serine 1180 with arginine.
Molecular consequence: missense variant. On other transcripts: intron variant (135).
Genome position (GRCh38, 1-based): chr17:43,091,991, G>T on the plus strand (C>A on the coding strand, the complement: BRCA1 is on the minus strand). VCF-style: chr17-43091991-G-T. GRCh37 (hg19) VCF-style: chr17-41244008-G-T.
Other names: c.665-959C>A (NM_001408438.1, NM_001408430.1, NM_001408436.1 and 12 more transcripts); c.3327C>A, p.Ser1109Arg (NM_001407853.1, NM_001407571.1, NM_001407915.1 and 9 more transcripts); c.3540C>A, p.Ser1180Arg (NM_001407854.1, NM_001407858.1, NM_001407859.1 and 30 more transcripts); c.671-959C>A (NM_001408423.1, NM_001408420.1, NM_001408419.1 and 2 more transcripts); c.3537C>A, p.Ser1179Arg (NM_001407860.1, NM_001407861.1, NM_001407587.1 and 22 more transcripts); c.788-959C>A (NM_001408472.1, NM_001407990.1, NM_007299.4 and 17 more transcripts); c.3339C>A, p.Ser1113Arg (NM_001407862.1); c.3417C>A, p.Ser1139Arg (NM_001407863.1, NM_001407648.1, NM_001407664.1 and 19 more transcripts); and 41 more; short protein forms S1012R, S1092R, S1109R, S1133R, S1180R, S1052R, S1053R, S1091R.
Identifiers: ClinVar variation 2811475 (VCV002811475.3), dbSNP rs928545955, ClinGen allele CA10594886.

ClinVar aggregate classification (germline): Uncertain significance (1 of 4 stars; one submission).

Conditions:
Hereditary breast ovarian cancer syndrome. Also called: Hereditary breast and ovarian cancer; Hereditary breast and ovarian cancer syndrome; Breast and ovarian cancer; BRCA1- and BRCA2-Associated Hereditary Breast and Ovarian Cancer; Hereditary breast and ovarian cancer syndrome (HBOC); Hereditary breast and/or ovarian cancer syndrome. Identifiers: Orphanet 145, MedGen C0677776, MeSH D061325, MONDO:0003582. Disease mechanism: loss of function.

Submission:

Labcorp Genetics (formerly Invitae), Labcorp
Classification: Uncertain significance for Hereditary breast ovarian cancer syndrome. Last evaluated: 2022-11-04. Review status: criteria provided, single submitter. Criteria: Invitae Variant Classification Sherloc (09022015). Collection method: clinical testing. Allele origin: germline.
Comment: This sequence change replaces serine, which is neutral and polar, with arginine, which is basic and polar, at codon 1180 of the BRCA1 protein (p.Ser1180Arg). In summary, the available evidence is currently insufficient to determine the role of this variant in disease. Therefore, it has been classified as a Variant of Uncertain Significance. Advanced modeling of protein sequence and biophysical properties (such as structural, functional, and spatial information, amino acid conservation, physicochemical variation, residue mobility, and thermodynamic stability) performed at Invitae indicates that this missense variant is not expected to disrupt BRCA1 protein function. This variant has not been reported in the literature in individuals affected with BRCA1-related conditions. This variant is not present in population databases (gnomAD no frequency).